The following is an entry in ClinVar:

ClinVar aggregate classification (germline): Benign/Likely benign. Review status: criteria provided, multiple submitters, no conflicts (2 of 4 stars). 10 submissions from 9 submitters: Benign (8); Likely benign (1). 1 of the submissions does not count toward it. Last evaluated 2026-02-04.

Conditions:
Retinitis pigmentosa (RP). Identifiers: Orphanet 791, MedGen C0035334, MeSH D012174, MONDO:0019200, OMIM 268000. Inheritance: Autosomal dominant, autosomal recessive and X linked inheritance.
Leber congenital amaurosis 4 (LCA4). Identifiers: MedGen C1858386, MONDO:0011458, OMIM 604393.

Allele frequency attached by ClinVar (database versions not stated): 1000 Genomes Project 30x 0.49079; 1000 Genomes Project 0.49101; ESP Exome Variant Server 0.51346; gnomAD 0.52383 and 0.52614; TOPMed 0.52642; ExAC 0.55503; gnomAD exomes 0.56324 and 0.56633.
gnomAD v4.1: 902,542 of 1,611,246 alleles (56%); highest among the groups gnomAD compares: Middle Eastern, 71%; 256,149 homozygotes.

Submissions (10):

Labcorp Genetics (formerly Invitae), Labcorp
Classification: Benign for Leber congenital amaurosis 4. Last evaluated: 2026-02-04. Review status: criteria provided, single submitter. Criteria: Invitae Variant Classification Sherloc (09022015). Collection method: clinical testing. Allele origin: germline.

Women's Health and Genetics/Laboratory Corporation of America, LabCorp
Classification: Benign. Last evaluated: 2025-06-07. Review status: criteria provided, single submitter. Criteria: LabCorp Variant Classification Summary - May 2015. Collection method: clinical testing. Allele origin: germline.

Fulgent Genetics
Classification: Benign for Retinitis pigmentosa; Leber congenital amaurosis 4. Last evaluated: 2021-08-11. Review status: criteria provided, single submitter. Criteria: ACMG Guidelines, 2015. Collection method: clinical testing. Allele origin: unknown.

Illumina Laboratory Services, Illumina
Classification: Benign for Leber congenital amaurosis 4. Last evaluated: 2018-01-13. Review status: criteria provided, single submitter. Criteria: ICSL Variant Classification Criteria 13 December 2019. Collection method: clinical testing. Allele origin: germline.
Comment: This variant was observed in the ICSL laboratory as part of a predisposition screen in an ostensibly healthy population. It had not been previously curated by ICSL or reported in the Human Gene Mutation Database (HGMD: prior to June 1st, 2018), and was therefore a candidate for classification through an automated scoring system. Utilizing variant allele frequency, disease prevalence and penetrance estimates, and inheritance mode, an automated score was calculated to assess if this variant is too frequent to cause the disease. Based on the score and internal cut-off values, a variant classified as benign is not then subjected to further curation. The score for this variant resulted in a classification of benign for this disease.

Illumina Laboratory Services, Illumina
Classification: Benign for Retinitis pigmentosa. Last evaluated: 2018-01-13. Review status: criteria provided, single submitter. Criteria: ICSL Variant Classification Criteria 13 December 2019. Collection method: clinical testing. Allele origin: germline.
Comment: the same text as in the submission from Illumina Laboratory Services, Illumina above.

GeneDx
Classification: Benign. Last evaluated: 2015-03-03. Review status: criteria provided, single submitter. Criteria: GeneDx Variant Classification Process June 2021. Collection method: clinical testing. Allele origin: germline. Affected: yes.

Eurofins Ntd Llc (ga)
Classification: Benign. Last evaluated: 2015-01-20. Review status: criteria provided, single submitter. Criteria: EGL Classification Definitions 2015. Collection method: clinical testing. Allele origin: germline. Observed: 5 variant alleles, 5 heterozygotes.

Breakthrough Genomics
Classification: Likely benign. Review status: criteria provided, single submitter. Criteria: ACMG Guidelines, 2015. Collection method: not provided. Allele origin: germline. Inheritance: Autosomal recessive inheritance. Affected: yes.

PreventionGenetics, part of Exact Sciences
Classification: Benign. Review status: criteria provided, single submitter. Criteria: ACMG Guidelines, 2015. Collection method: clinical testing. Allele origin: germline.

Retina International
No classification provided. Review status: no classification provided. Collection method: not provided. Allele origin: not provided. Not counted in ClinVar's aggregate classification.

NM_014336.5(AIPL1):c.277-10A>C

Gene: AIPL1 (AIP like 1 HSP90 co-chaperone; minus strand). Cytogenetic location: 17p13.2.
Variant type: single nucleotide variant.
Coding change: c.277-10A>C on transcript NM_014336.5 (MANE Select); 10 bases into the intron before coding-DNA position 277, A replaced by C.
Molecular consequence: intron variant.
Genome position (GRCh38, 1-based): chr17:6,428,516, T>G on the plus strand (A>C on the coding strand, the complement: AIPL1 is on the minus strand). VCF-style: chr17-6428516-T-G. GRCh37 (hg19) VCF-style: chr17-6331836-T-G.
Other names: c.97-10A>C (NM_001033055.3); c.211-10A>C (NM_001285400.3); c.241-10A>C (NM_001285399.3); c.277-1459A>C (NM_001033054.3); c.277-10A>C (NM_001285401.3, NM_001285403.4); c.160-10A>C (NM_001285402.2).
Identifiers: ClinVar variation 99796 (VCV000099796.24), dbSNP rs12453262, ClinGen allele CA179715.
Genomic context (GRCh38, chr17:6,428,516, plus strand): 5'-CTGGGCCATCTGCCTCAGGCTCCGGGATAGGATGGGGTAGACCCCCGTGTGCTGTGGGGA[T>G]AAACGGATGGATGGCATCCAGGCTACCTGCCCAGAGCTAGGTGGGCCATAAAAGGCCTCC-3'